The following is an entry in ClinVar:

ClinVar aggregate classification (germline): Uncertain significance (1 of 4 stars; one submission).

Conditions:
von Willebrand disease type 1 (VWD1). Also called: VON WILLEBRAND DISEASE, TYPE I; VWD, TYPE 1. Identifiers: Orphanet 166078, Orphanet 903, MedGen C1264039, MONDO:0008668, OMIM 193400. Inheritance: autosomal recessive or autosomal dominant.

Submission:

ISTH-SSC Genomics in Thrombosis and Hemostasis, KU Leuven, Center for Molecular and Vascular Biology
Classification: Uncertain significance for von Willebrand disease type 1. Review status: criteria provided, single submitter. Criteria: ACMG Guidelines, 2015. Collection method: clinical testing. Allele origin: germline. Affected: yes. Observed: 1 heterozygote.
Comment: Submitted to GoldVariant by Kathleen Freson, Center for Molecular and Vascular Biology, Leuven, Belgium

NM_000552.5(VWF):c.4891G>A (p.Gly1631Ser)

Gene: VWF (von Willebrand factor; minus strand). Cytogenetic location: 12p13.31.
Variant type: single nucleotide variant.
Coding change: c.4891G>A on transcript NM_000552.5 (MANE Select); coding-DNA position 4891, G replaced by A.
Protein change: p.Gly1631Ser; replaces glycine 1631 with serine.
Molecular consequence: missense variant.
Genome position (GRCh38, 1-based): chr12:6,018,527, C>T on the plus strand (G>A on the coding strand, the complement: VWF is on the minus strand). VCF-style: chr12-6018527-C-T. GRCh37 (hg19) VCF-style: chr12-6127693-C-T.
Other names: short protein forms G1631S.
Identifiers: ClinVar variation 1703817 (VCV001703817.1), dbSNP rs2497512411, ClinGen allele CA383498755.
Genomic context (GRCh38, chr12:6,018,527, plus strand): 5'-TGAGGATAGGGGCATTGGGCCAGCCAATCCTCTCCAGCTCCTGCACGTTGGCATTAGGGC[C>T]CACTCCAATGGGCACCACCTGGATGTCTCCAGGCAGCCTCTTGATCTCATCAGAGGCAGG-3'
Protein context (NP_000543.3, residues 1621-1641): GDIQVVPIGV[Gly1631Ser]PNANVQELER